The following is an entry in ClinVar:

ClinVar aggregate classification (germline): Pathogenic (1 of 4 stars; one submission).

Submission:

Labcorp Genetics (formerly Invitae), Labcorp
Classification: Pathogenic. Last evaluated: 2022-01-19. Review status: criteria provided, single submitter. Criteria: Invitae Variant Classification Sherloc (09022015). Collection method: clinical testing. Allele origin: germline.
Comment: This variant is a gross deletion of the genomic region encompassing exon(s) 33-34 of the USH2A gene. This deletion is out-of-frame, and is expected to create a premature termination codon and result in an absent or disrupted protein product. Loss-of-function variants in USH2A are known to be pathogenic (PMID: 10729113, 10909849, 20507924, 25649381). A similar copy number variant has been observed in individual(s) with inherited retinal disease (PMID: 26872967). For these reasons, this variant has been classified as Pathogenic.

Literature cited by the submitters: PubMed 10729113; PubMed 10909849; PubMed 20507924; PubMed 25649381; PubMed 26872967.

NC_000001.10:g.(?_216172219)_(216173914_?)del

Gene: USH2A (usherin; minus strand). Cytogenetic location: 1q41.
Variant type: Deletion.
Identifiers: ClinVar variation 2427740 (VCV002427740.3).